The following is an entry in ClinVar:

NM_001098626.2(ZNF98):c.1338A>C (p.Ser446=)

Gene: ZNF98 (zinc finger protein 98; minus strand). Cytogenetic location: 19p12.
Variant type: single nucleotide variant.
Coding change: c.1338A>C on transcript NM_001098626.2 (MANE Select); coding-DNA position 1338, A replaced by C.
Protein change: p.Ser446=; no amino-acid change (serine 446 retained).
Molecular consequence: synonymous variant.
Genome position (GRCh38, 1-based): chr19:22,391,897, T>G on the plus strand (A>C on the coding strand, the complement: ZNF98 is on the minus strand). VCF-style: chr19-22391897-T-G. GRCh37 (hg19) VCF-style: chr19-22574699-T-G.
Identifiers: ClinVar variation 2649650 (VCV002649650.24), dbSNP rs4100185, ClinGen allele CA306616109.

ClinVar aggregate classification (germline): Likely benign (1 of 4 stars; one submission).

Allele frequency attached by ClinVar (database versions not stated): gnomAD exomes 0.00058.

Submission:

CeGaT Center for Human Genetics Tuebingen
Classification: Likely benign. Last evaluated: 2023-08-01. Review status: criteria provided, single submitter. Criteria: CeGaT Center For Human Genetics Tuebingen Variant Classification Criteria Version 2. Collection method: clinical testing. Allele origin: germline. Affected: yes. Observed: 3 variant alleles.
Comment: ZNF98: BP4, BP7